The following is an entry in ClinVar:

ClinVar aggregate classification (germline): Uncertain significance. Review status: criteria provided, multiple submitters, no conflicts (2 of 4 stars). 2 submissions from 2 submitters: Uncertain significance (2). Last evaluated 2026-04-13.

Conditions:
BAP1-related tumor predisposition syndrome (TPDS1). Also called: Tumor susceptibility linked to germline BAP1 mutations; TUMOR PREDISPOSITION SYNDROME 1; BAP1 tumor predisposition syndrome; COMMON Syndrome. Identifiers: Orphanet 289539, MedGen C3280492, MONDO:0013692, OMIM 614327.

Submissions (2):

GeneDx
Classification: Uncertain significance. Last evaluated: 2026-04-13. Review status: criteria provided, single submitter. Criteria: GeneDx Variant Classification Process June 2021. Collection method: clinical testing. Allele origin: germline.
Comment: Not observed at significant frequency in large population cohorts (gnomAD); In silico analysis suggests that this missense variant does not alter protein structure/function; Has not been previously published as pathogenic or benign to our knowledge

Labcorp Genetics (formerly Invitae), Labcorp
Classification: Uncertain significance for BAP1-related tumor predisposition syndrome. Last evaluated: 2022-11-09. Review status: criteria provided, single submitter. Criteria: Invitae Variant Classification Sherloc (09022015). Collection method: clinical testing. Allele origin: germline.
Comment: In summary, the available evidence is currently insufficient to determine the role of this variant in disease. Therefore, it has been classified as a Variant of Uncertain Significance. Advanced modeling of protein sequence and biophysical properties (such as structural, functional, and spatial information, amino acid conservation, physicochemical variation, residue mobility, and thermodynamic stability) performed at Invitae indicates that this missense variant is not expected to disrupt BAP1 protein function. ClinVar contains an entry for this variant (Variation ID: 964940). This variant has not been reported in the literature in individuals affected with BAP1-related conditions. This variant is not present in population databases (gnomAD no frequency). This sequence change replaces glycine, which is neutral and non-polar, with valine, which is neutral and non-polar, at codon 581 of the BAP1 protein (p.Gly581Val).

NM_004656.4(BAP1):c.1742G>T (p.Gly581Val)

Gene: BAP1 (BRCA1 associated deubiquitinase 1; minus strand). Cytogenetic location: 3p21.1.
Variant type: single nucleotide variant.
Coding change: c.1742G>T on transcript NM_004656.4 (MANE Select); coding-DNA position 1742, G replaced by T.
Protein change: p.Gly581Val; replaces glycine 581 with valine.
Molecular consequence: missense variant.
Genome position (GRCh38, 1-based): chr3:52,403,286, C>A on the plus strand (G>T on the coding strand, the complement: BAP1 is on the minus strand). VCF-style: chr3-52403286-C-A. GRCh37 (hg19) VCF-style: chr3-52437302-C-A.
Other names: short protein forms G581V.
Identifiers: ClinVar variation 964940 (VCV000964940.8), dbSNP rs1578219900, ClinGen allele CA353099289.
Genomic context (GRCh38, chr3:52,403,286, plus strand): 5'-TTCTCCACTGGGCTGCTGGACCCCTGGCTGCCTTGGATTGGTCTGATGGAGGGCGAGGAA[C>A]CCTTCCCACCCTCTGGGAAGAGAGGTCACAAGAAAATCATCAGAGTGCAGGACACTTTGT-3'
Protein context (NP_004647.1, residues 571-591): SPLALTEGGK[Gly581Val]SSPSIRPIQG